The following is an entry in ClinVar:

ClinVar aggregate classification (germline): Uncertain significance (1 of 4 stars; one submission).

Conditions:
Cohen syndrome (COH1). Also called: Cutis verticis gyrata, retinitis pigmentosa, and sensorineural deafness; PEPPER SYNDROME. Identifiers: Orphanet 193, MedGen C0265223, MONDO:0008999, OMIM 216550.

Submission:

Labcorp Genetics (formerly Invitae), Labcorp
Classification: Uncertain significance for Cohen syndrome. Last evaluated: 2022-04-04. Review status: criteria provided, single submitter. Criteria: Invitae Variant Classification Sherloc (09022015). Collection method: clinical testing. Allele origin: germline.
Comment: This sequence change replaces arginine, which is basic and polar, with isoleucine, which is neutral and non-polar, at codon 1384 of the VPS13B protein (p.Arg1384Ile). This variant is not present in population databases (gnomAD no frequency). This variant has not been reported in the literature in individuals affected with VPS13B-related conditions. Algorithms developed to predict the effect of missense changes on protein structure and function are either unavailable or do not agree on the potential impact of this missense change (SIFT: "Not Available"; PolyPhen-2: "Possibly Damaging"; Align-GVGD: "Not Available"). In summary, the available evidence is currently insufficient to determine the role of this variant in disease. Therefore, it has been classified as a Variant of Uncertain Significance.

NM_152564.5(VPS13B):c.4151G>T (p.Arg1384Ile)

Gene: VPS13B (vacuolar protein sorting 13 homolog B; plus strand). Cytogenetic location: 8q22.2.
Variant type: single nucleotide variant.
Coding change: c.4151G>T on transcript NM_152564.5 (MANE Select); coding-DNA position 4151, G replaced by T.
Protein change: p.Arg1384Ile; replaces arginine 1384 with isoleucine.
Molecular consequence: missense variant.
Genome position (GRCh38, 1-based): chr8:99,502,944, G>T. VCF-style: chr8-99502944-G-T. GRCh37 (hg19) VCF-style: chr8-100515172-G-T.
Other names: c.4151G>T, p.Arg1384Ile (NM_017890.5); short protein forms R1384I.
Identifiers: ClinVar variation 2120498 (VCV002120498.4), dbSNP rs2490459918, ClinGen allele CA371870137.